The following is an entry in ClinVar:

NM_001365536.1(SCN9A):c.2185T>A (p.Tyr729Asn)

Genes: SCN1A-AS1 (SCN1A and SCN9A antisense RNA 1; plus strand), SCN9A (sodium voltage-gated channel alpha subunit 9; minus strand). Cytogenetic location: 2q24.3.
Variant type: single nucleotide variant.
Coding change: c.2185T>A on transcript NM_001365536.1 (MANE Select); coding-DNA position 2185, T replaced by A.
Protein change: p.Tyr729Asn; replaces tyrosine 729 with asparagine.
Molecular consequence: missense variant.
Genome position (GRCh38, 1-based): chr2:166,280,515, A>T on the plus strand (T>A on the coding strand, the complement: SCN9A is on the minus strand). VCF-style: chr2-166280515-A-T. GRCh37 (hg19) VCF-style: chr2-167137025-A-T.
Other names: c.2152T>A, p.Tyr718Asn (NM_002977.4); short protein forms Y718N, Y729N.
Identifiers: ClinVar variation 1989724 (VCV001989724.4), dbSNP rs749350764, ClinGen allele CA1944312.

ClinVar aggregate classification (germline): Uncertain significance (1 of 4 stars; one submission).

Conditions:
Neuropathy, hereditary sensory and autonomic, type 2A (HSAN2A). Also called: HSAN IIA; WNK1-Related HSAN2 (HSAN2A); ACROOSTEOLYSIS, GIACCAI TYPE; ACROOSTEOLYSIS, NEUROGENIC; MORVAN DISEASE; NEUROPATHY, CONGENITAL SENSORY. Identifiers: MedGen C2752089, MONDO:0024309, OMIM 201300, Orphanet 970.
Generalized epilepsy with febrile seizures plus, type 7 (GEFSP7). Also called: GEFS+, TYPE 7. Identifiers: Orphanet 36387, MedGen C2751778, MONDO:0013470, OMIM 613863.

Allele frequency attached by ClinVar (database versions not stated): ExAC 0.00002.
gnomAD v4.1: 4 of 1,590,580 alleles (0.00025%); highest among the groups gnomAD compares: East Asian, 0.009%; no homozygotes.

Submission:

Labcorp Genetics (formerly Invitae), Labcorp
Classification: Uncertain significance for Neuropathy, hereditary sensory and autonomic, type 2A; Generalized epilepsy with febrile seizures plus, type 7. Last evaluated: 2022-10-01. Review status: criteria provided, single submitter. Criteria: Invitae Variant Classification Sherloc (09022015). Collection method: clinical testing. Allele origin: germline.
Comment: In summary, the available evidence is currently insufficient to determine the role of this variant in disease. Therefore, it has been classified as a Variant of Uncertain Significance. Advanced modeling of protein sequence and biophysical properties (such as structural, functional, and spatial information, amino acid conservation, physicochemical variation, residue mobility, and thermodynamic stability) performed at Invitae indicates that this missense variant is not expected to disrupt SCN9A protein function. This variant has not been reported in the literature in individuals affected with SCN9A-related conditions. This variant is present in population databases (rs749350764, gnomAD 0.02%). This sequence change replaces tyrosine, which is neutral and polar, with asparagine, which is neutral and polar, at codon 718 of the SCN9A protein (p.Tyr718Asn).